The following is an entry in ClinVar:

ClinVar aggregate classification (germline): Uncertain significance. Review status: criteria provided, multiple submitters, no conflicts (2 of 4 stars). 2 submissions from 2 submitters: Uncertain significance (2). Last evaluated 2024-11-28.

Conditions:
Pulmonary fibrosis and/or bone marrow failure, Telomere-related, 3. Also called: PULMONARY FIBROSIS AND/OR BONE MARROW FAILURE SYNDROME, TELOMERE-RELATED, 3. Identifiers: Orphanet 2032, MedGen C4225346, MONDO:0014613, OMIM 616373.
Dyskeratosis congenita, autosomal recessive 5 (DKCB5). Identifiers: MedGen C3554656, MONDO:0014076, OMIM 615190.
Inborn genetic diseases. Identifiers: MedGen C0950123, MeSH D030342.

Allele frequency attached by ClinVar (database versions not stated): gnomAD exomes below 0.00001.
gnomAD v4.1: 1 of 1,613,356 alleles (0.000062%); highest among the groups gnomAD compares: Non-Finnish European, 0.000085%; no homozygotes.

Submissions (2):

Ambry Genetics
Classification: Uncertain significance for Inborn genetic diseases. Last evaluated: 2024-11-28. Review status: criteria provided, single submitter. Criteria: Ambry Variant Classification Scheme 2023. Collection method: clinical testing. Allele origin: germline.
Comment: The p.A387T variant (also known as c.1159G>A), located in coding exon 13 of the RTEL1 gene, results from a G to A substitution at nucleotide position 1159. The alanine at codon 387 is replaced by threonine, an amino acid with similar properties. This amino acid position is conserved. In addition, this alteration is predicted to be tolerated by in silico analysis. Based on the available evidence, the clinical significance of this variant remains unclear.

Labcorp Genetics (formerly Invitae), Labcorp
Classification: Uncertain significance for Dyskeratosis congenita, autosomal recessive 5; Pulmonary fibrosis and/or bone marrow failure, Telomere-related, 3. Last evaluated: 2021-02-10. Review status: criteria provided, single submitter. Criteria: Invitae Variant Classification Sherloc (09022015). Collection method: clinical testing. Allele origin: germline.
Comment: This sequence change replaces alanine with threonine at codon 387 of the RTEL1 protein (p.Ala387Thr). The alanine residue is weakly conserved and there is a small physicochemical difference between alanine and threonine. In summary, the available evidence is currently insufficient to determine the role of this variant in disease. Therefore, it has been classified as a Variant of Uncertain Significance. Algorithms developed to predict the effect of missense changes on protein structure and function (SIFT, PolyPhen-2, Align-GVGD) all suggest that this variant is likely to be tolerated, but these predictions have not been confirmed by published functional studies and their clinical significance is uncertain. This variant has not been reported in the literature in individuals with RTEL1-related conditions. This variant is not present in population databases (ExAC no frequency).

NM_001283009.2(RTEL1):c.1159G>A (p.Ala387Thr)

Genes: RTEL1 (regulator of telomere elongation helicase 1; plus strand), RTEL1-TNFRSF6B (RTEL1-TNFRSF6B readthrough (NMD candidate); plus strand). Cytogenetic location: 20q13.33.
Variant type: single nucleotide variant.
Coding change: c.1159G>A on transcript NM_001283009.2 (MANE Select); coding-DNA position 1159, G replaced by A.
Protein change: p.Ala387Thr; replaces alanine 387 with threonine.
Molecular consequence: missense variant. On other transcripts: non-coding transcript variant (1).
Genome position (GRCh38, 1-based): chr20:63,680,687, G>A. VCF-style: chr20-63680687-G-A. GRCh37 (hg19) VCF-style: chr20-62312040-G-A.
Other names: c.490G>A, p.Ala164Thr (NM_001283010.1); c.1159G>A, p.Ala387Thr (NM_016434.4); c.1231G>A, p.Ala411Thr (NM_032957.5); short protein forms A164T, A411T, A387T.
Identifiers: ClinVar variation 1445277 (VCV001445277.9), dbSNP rs2146220003, ClinGen allele CA409674568.